The following is an entry in ClinVar:

ClinVar aggregate classification (germline): Uncertain significance (1 of 4 stars; one submission).

Conditions:
Fanconi anemia (FA). Also called: Fanconi's anemia. Identifiers: Orphanet 84, MedGen C0015625, MeSH D005199, MONDO:0019391.

gnomAD v4.1: 1 of 1,614,126 alleles (0.000062%); highest among the groups gnomAD compares: Non-Finnish European, 0.000085%; no homozygotes.

Submission:

Labcorp Genetics (formerly Invitae), Labcorp
Classification: Uncertain significance for Fanconi anemia. Last evaluated: 2024-08-12. Review status: criteria provided, single submitter. Criteria: Invitae Variant Classification Sherloc (09022015). Collection method: clinical testing. Allele origin: germline.
Comment: This sequence change replaces leucine, which is neutral and non-polar, with phenylalanine, which is neutral and non-polar, at codon 550 of the FANCC protein (p.Leu550Phe). This variant is not present in population databases (gnomAD no frequency). This variant has not been reported in the literature in individuals affected with FANCC-related conditions. Advanced modeling of protein sequence and biophysical properties (such as structural, functional, and spatial information, amino acid conservation, physicochemical variation, residue mobility, and thermodynamic stability) performed at Invitae indicates that this missense variant is expected to disrupt FANCC protein function with a positive predictive value of 80%. In summary, the available evidence is currently insufficient to determine the role of this variant in disease. Therefore, it has been classified as a Variant of Uncertain Significance.

NM_000136.3(FANCC):c.1648C>T (p.Leu550Phe)

Genes: AOPEP (aminopeptidase O (putative); plus strand), FANCC (FA complementation group C; minus strand). Cytogenetic location: 9q22.32.
Variant type: single nucleotide variant.
Coding change: c.1648C>T on transcript NM_000136.3 (MANE Select); coding-DNA position 1648, C replaced by T.
Protein change: p.Leu550Phe; replaces leucine 550 with phenylalanine.
Molecular consequence: missense variant.
Genome position (GRCh38, 1-based): chr9:95,101,736, G>A on the plus strand (C>T on the coding strand, the complement: FANCC is on the minus strand). VCF-style: chr9-95101736-G-A. GRCh37 (hg19) VCF-style: chr9-97864018-G-A.
Other names: c.1648C>T, p.Leu550Phe (NM_001243743.2); short protein forms L550F.
Identifiers: ClinVar variation 3705467 (VCV003705467.2).